The following is an entry in ClinVar:

NM_205768.3(ZBTB18):c.593C>G (p.Ser198Ter)

Gene: ZBTB18 (zinc finger and BTB domain containing 18; plus strand). Cytogenetic location: 1q44.
Variant type: single nucleotide variant.
Coding change: c.593C>G on transcript NM_205768.3 (MANE Select); coding-DNA position 593, C replaced by G.
Protein change: p.Ser198Ter; replaces serine 198 with a stop codon.
Molecular consequence: nonsense.
Genome position (GRCh38, 1-based): chr1:244,054,367, C>G. VCF-style: chr1-244054367-C-G. GRCh37 (hg19) VCF-style: chr1-244217669-C-G.
Other names: c.566C>G, p.Ser189Ter (NM_001278196.2, NM_006352.5); c.593C>G, p.Ser198Ter (NM_001421566.1); short protein forms S189*, S198*.
Identifiers: ClinVar variation 4851969 (VCV004851969.1).

ClinVar aggregate classification (germline): Pathogenic (1 of 4 stars; one submission).

Submission:

Dasa
Classification: Pathogenic. Last evaluated: 2024-09-15. Review status: criteria provided, single submitter. Criteria: DASA Assertion Criteria. Collection method: clinical testing. Allele origin: germline.
Comment: NM_205768.3(ZBTB18):c.593C>G (p.Ser198*) introduces a premature termination codon predicted to result in loss of normal protein function. Loss-of-function is an established mechanism of disease for this gene. The variant is present at low frequency in population datasets. Based on the available data, this variant is classified as pathogenic.